The following is an entry in ClinVar:

ClinVar aggregate classification (germline): Uncertain significance. Review status: criteria provided, multiple submitters, no conflicts (2 of 4 stars). 2 submissions from 2 submitters: Uncertain significance (2). Last evaluated 2025-04-18.

Allele frequency attached by ClinVar (database versions not stated): gnomAD exomes 0.00001; ExAC 0.00002.
gnomAD v4.1: 10 of 1,614,134 alleles (0.00062%); highest among the groups gnomAD compares: Admixed American, 0.0033%; no homozygotes.

Submissions (2):

Labcorp Genetics (formerly Invitae), Labcorp
Classification: Uncertain significance. Last evaluated: 2025-04-18. Review status: criteria provided, single submitter. Criteria: Invitae Variant Classification Sherloc (09022015). Collection method: clinical testing. Allele origin: germline.
Comment: This sequence change replaces serine, which is neutral and polar, with asparagine, which is neutral and polar, at codon 2256 of the KMT2A protein (p.Ser2256Asn). This variant is present in population databases (rs782797999, gnomAD 0.003%). This variant has not been reported in the literature in individuals affected with KMT2A-related conditions. ClinVar contains an entry for this variant (Variation ID: 444272). Invitae Evidence Modeling of protein sequence and biophysical properties (such as structural, functional, and spatial information, amino acid conservation, physicochemical variation, residue mobility, and thermodynamic stability) indicates that this missense variant is not expected to disrupt KMT2A protein function with a negative predictive value of 95%. In summary, the available evidence is currently insufficient to determine the role of this variant in disease. Therefore, it has been classified as a Variant of Uncertain Significance.

CeGaT Center for Human Genetics Tuebingen
Classification: Uncertain significance. Last evaluated: 2017-05-01. Review status: criteria provided, single submitter. Criteria: CeGaT Center For Human Genetics Tuebingen Variant Classification Criteria Version 2. Collection method: clinical testing. Allele origin: germline. Affected: yes. Observed: 1 variant allele.

NM_001197104.2(KMT2A):c.6767G>A (p.Ser2256Asn)

Gene: KMT2A (lysine methyltransferase 2A; plus strand). Cytogenetic location: 11q23.3.
Variant type: single nucleotide variant.
Coding change: c.6767G>A on transcript NM_001197104.2 (MANE Select); coding-DNA position 6767, G replaced by A.
Protein change: p.Ser2256Asn; replaces serine 2256 with asparagine.
Molecular consequence: missense variant.
Genome position (GRCh38, 1-based): chr11:118,502,659, G>A. VCF-style: chr11-118502659-G-A. GRCh37 (hg19) VCF-style: chr11-118373374-G-A.
Other names: c.6758G>A, p.Ser2253Asn (NM_005933.4); short protein forms S2256N, S2253N.
Identifiers: ClinVar variation 444272 (VCV000444272.49), dbSNP rs782797999, ClinGen allele CA6304308.
Genomic context (GRCh38, chr11:118,502,659, plus strand): 5'-CTACTGATCTTGAATCAAGTGCCAAAGTAGTTGATCATGTCTTAGGGCCACTGAATTCAA[G>A]TACTAGTTTAGGGCAAAACACTTCCACCTCTTCAAATTTGCAAAGGACAGTGGTTACTGT-3'
Protein context (NP_001184033.1, residues 2246-2266): VDHVLGPLNS[Ser2256Asn]TSLGQNTSTS